The following is an entry in ClinVar:

ClinVar aggregate classification (germline): Likely benign (1 of 4 stars; one submission).

Submission:

CeGaT Center for Human Genetics Tuebingen
Classification: Likely benign. Last evaluated: 2022-05-01. Review status: criteria provided, single submitter. Criteria: CeGaT Center For Human Genetics Tuebingen Variant Classification Criteria Version 2. Collection method: clinical testing. Allele origin: germline. Affected: yes. Observed: 1 variant allele.
Comment: DIAPH2: PM2:Supporting, BP4, BP7

NM_006729.5(DIAPH2):c.3084A>G (p.Lys1028=)

Gene: DIAPH2 (diaphanous related formin 2; plus strand). Cytogenetic location: Xq21.33.
Variant type: single nucleotide variant.
Coding change: c.3084A>G on transcript NM_006729.5 (MANE Select); coding-DNA position 3084, A replaced by G.
Protein change: p.Lys1028=; no amino-acid change (lysine 1028 retained).
Molecular consequence: synonymous variant.
Genome position (GRCh38, 1-based): chrX:97,383,983, A>G. VCF-style: chrX-97383983-A-G. GRCh37 (hg19) VCF-style: chrX-96638982-A-G.
Other names: c.3084A>G, p.Lys1028= (NM_007309.4).
Identifiers: ClinVar variation 2661025 (VCV002661025.24), dbSNP rs2520193221, ClinGen allele CA517654687.